The following is an entry in ClinVar:

ClinVar aggregate classification (germline): Uncertain significance. Review status: criteria provided, multiple submitters, no conflicts (2 of 4 stars). 2 submissions from 2 submitters: Uncertain significance (2). Last evaluated 2024-06-09.

Conditions:
Charcot-Marie-Tooth disease axonal type 2O. Also called: CHARCOT-MARIE-TOOTH NEUROPATHY, AXONAL, TYPE 2O; CHARCOT-MARIE-TOOTH DISEASE, AXONAL, AUTOSOMAL DOMINANT, TYPE 2O; Charcot-Marie-Tooth Neuropathy Type 2O; Charcot-Marie-Tooth disease, axonal, type 20. Identifiers: Orphanet 284232, MedGen C3280220, MONDO:0013644, OMIM 614228.

gnomAD v4.1: 1 of 1,613,998 alleles (0.000062%); highest among the groups gnomAD compares: Non-Finnish European, 0.000085%; no homozygotes.

Submissions (2):

Labcorp Genetics (formerly Invitae), Labcorp
Classification: Uncertain significance for Charcot-Marie-Tooth disease axonal type 2O. Last evaluated: 2024-06-09. Review status: criteria provided, single submitter. Criteria: Invitae Variant Classification Sherloc (09022015). Collection method: clinical testing. Allele origin: germline.
Comment: This sequence change replaces arginine, which is basic and polar, with tryptophan, which is neutral and slightly polar, at codon 2507 of the DYNC1H1 protein (p.Arg2507Trp). This variant is not present in population databases (gnomAD no frequency). This variant has not been reported in the literature in individuals affected with DYNC1H1-related conditions. Advanced modeling of protein sequence and biophysical properties (such as structural, functional, and spatial information, amino acid conservation, physicochemical variation, residue mobility, and thermodynamic stability) performed at Invitae indicates that this missense variant is not expected to disrupt DYNC1H1 protein function with a negative predictive value of 95%. In summary, the available evidence is currently insufficient to determine the role of this variant in disease. Therefore, it has been classified as a Variant of Uncertain Significance.

Blueprint Genetics
Classification: Uncertain significance. Last evaluated: 2020-10-08. Review status: criteria provided, single submitter. Criteria: ACMG Guidelines, 2015. Collection method: clinical testing. Allele origin: germline.

NM_001376.5(DYNC1H1):c.7519C>T (p.Arg2507Trp)

Gene: DYNC1H1 (dynein cytoplasmic 1 heavy chain 1; plus strand). Cytogenetic location: 14q32.31.
Variant type: single nucleotide variant.
Coding change: c.7519C>T on transcript NM_001376.5 (MANE Select); coding-DNA position 7519, C replaced by T.
Protein change: p.Arg2507Trp; replaces arginine 2507 with tryptophan.
Molecular consequence: missense variant.
Genome position (GRCh38, 1-based): chr14:102,016,394, C>T. VCF-style: chr14-102016394-C-T. GRCh37 (hg19) VCF-style: chr14-102482731-C-T.
Other names: short protein forms R2507W.
Identifiers: ClinVar variation 3690886 (VCV003690886.3).